The following is an entry in ClinVar:

NM_001353921.2(ARHGEF9):c.509_510del (p.Val170fs)

Gene: ARHGEF9 (Cdc42 guanine nucleotide exchange factor 9; minus strand). Cytogenetic location: Xq11.1.
Variant type: Microsatellite.
Coding change: c.509_510del on transcript NM_001353921.2 (MANE Select); coding-DNA positions 509 to 510, 2 bases deleted (TG; older notation c.509_510delTG).
Protein change: p.Val170fs; shifts the reading frame from valine 170.
Molecular consequence: frameshift variant.
Genome position (GRCh38, 1-based): chrX:63,697,197-63,697,198, CA deleted on the plus strand (TG on the coding strand, the reverse complement: ARHGEF9 is on the minus strand); deleting any 2 consecutive bases within chrX:63,697,197-63,697,200 gives the same sequence; the c. name uses the placement nearest the transcript's 3' end. VCF-style (leftmost placement, unchanged base first): chrX-63697196-TCA-T. GRCh37 (hg19) VCF-style: chrX-62917076-TCA-T.
Other names: c.329_330del, p.Val110fs (NM_001173479.2); c.182_183del, p.Val61fs (NM_001173480.2, NM_001369042.1); c.425_426del, p.Val142fs (NM_001330495.2, NM_001353927.2, NM_001369033.1 and 8 more transcripts); c.509_510del, p.Val170fs (NM_001353922.2); c.527_528del, p.Val176fs (NM_001353923.1); c.308_309del, p.Val103fs (NM_001353924.2, NM_001353926.2, NM_001369039.1 and 1 more transcripts); c.488_489del, p.Val163fs (NM_001353928.2, NM_001369030.1, NM_001369031.1 and 2 more transcripts); c.74_75del, p.Val25fs (NM_001369045.1); short protein forms V103fs, V110fs, V142fs, V163fs, V170fs, V176fs, V25fs, V61fs.
Identifiers: ClinVar variation 3381865 (VCV003381865.2).

ClinVar aggregate classification (germline): Likely pathogenic (1 of 4 stars; one submission).

Conditions:
Developmental and epileptic encephalopathy, 8 (DEE8). Also called: HYPEREKPLEXIA AND EPILEPSY. Identifiers: Orphanet 163985, Orphanet 2076, MedGen C1845102, MONDO:0010375, OMIM 300607.

Submission:

Juno Genomics, Hangzhou Juno Genomics, Inc
Classification: Likely pathogenic for Developmental and epileptic encephalopathy, 8. Review status: criteria provided, single submitter. Criteria: ACMG Guidelines, 2015. Collection method: clinical testing. Allele origin: germline. Affected: yes.
Comment: Null variant in a gene where loss of function (LOF) is a known mechanism of disease.;Absent from controls (or at extremely low frequency if recessive) in Genome Aggregation Database, Exome Sequencing Project, 1000 Genomes Project, or Exome Aggregation Consortium.